The following is an entry in ClinVar:

ClinVar aggregate classification (germline): Uncertain significance (1 of 4 stars; one submission).

Submission:

Labcorp Genetics (formerly Invitae), Labcorp
Classification: Uncertain significance. Last evaluated: 2024-03-13. Review status: criteria provided, single submitter. Criteria: Invitae Variant Classification Sherloc (09022015). Collection method: clinical testing. Allele origin: germline.
Comment: This sequence change creates a premature translational stop signal (p.Gln324*) in the MAGEL2 gene. While this is not anticipated to result in nonsense mediated decay, it is expected to disrupt the last 926 amino acid(s) of the MAGEL2 protein. This variant is not present in population databases (gnomAD no frequency). This variant has not been reported in the literature in individuals affected with MAGEL2-related conditions. In summary, the available evidence is currently insufficient to determine the role of this variant in disease. Therefore, it has been classified as a Variant of Uncertain Significance.

NM_019066.5(MAGEL2):c.970C>T (p.Gln324Ter)

Gene: MAGEL2 (MAGE family member L2; minus strand). Cytogenetic location: 15q11.2.
Variant type: single nucleotide variant.
Coding change: c.970C>T on transcript NM_019066.5 (MANE Select); coding-DNA position 970, C replaced by T.
Protein change: p.Gln324Ter; replaces glutamine 324 with a stop codon.
Molecular consequence: nonsense.
Genome position (GRCh38, 1-based): chr15:23,646,773, G>A on the plus strand (C>T on the coding strand, the complement: MAGEL2 is on the minus strand). VCF-style: chr15-23646773-G-A. GRCh37 (hg19) VCF-style: chr15-23891920-G-A.
Other names: short protein forms Q324*.
Identifiers: ClinVar variation 3638443 (VCV003638443.2).
Genomic context (GRCh38, chr15:23,646,773, plus strand): 5'-CTTGAGACTGGATTTGCAGGATCAGAGGCTGAGCCTGCGGGGCCCAAGAAGCCATCGGCT[G>A]TGCAGGTGGGGCCATCGGCTGTGCAGGTGGGGCCGCCGGCTGTGCCATCGGTGCTCCTGA-3'